The following is an entry in ClinVar:

NM_001563.4(IMPG1):c.1397A>G (p.Asp466Gly)

Gene: IMPG1 (interphotoreceptor matrix proteoglycan 1; minus strand). Cytogenetic location: 6q14.1.
Variant type: single nucleotide variant.
Coding change: c.1397A>G on transcript NM_001563.4 (MANE Select); coding-DNA position 1397, A replaced by G.
Protein change: p.Asp466Gly; replaces aspartic acid 466 with glycine.
Molecular consequence: missense variant.
Genome position (GRCh38, 1-based): chr6:75,950,989, T>C on the plus strand (A>G on the coding strand, the complement: IMPG1 is on the minus strand). VCF-style: chr6-75950989-T-C. GRCh37 (hg19) VCF-style: chr6-76660706-T-C.
Other names: c.1163A>G, p.Asp388Gly (NM_001282368.2); c.1397A>G (NM_001563.2); short protein forms D388G, D466G.
Identifiers: ClinVar variation 1000870 (VCV001000870.9), dbSNP rs371846155, ClinGen allele CA3898125.

ClinVar aggregate classification (germline): Uncertain significance. Review status: criteria provided, multiple submitters, no conflicts (2 of 4 stars). 2 submissions from 2 submitters: Uncertain significance (2). Last evaluated 2025-06-17.

Allele frequency attached by ClinVar (database versions not stated): gnomAD exomes below 0.00001 and 0.00001; ExAC 0.00001; gnomAD 0.00001; TOPMed 0.00002; ESP Exome Variant Server 0.00008.
gnomAD v4.1: 5 of 1,613,834 alleles (0.00031%); highest among the groups gnomAD compares: African/African-American, 0.0067%; no homozygotes.

Submissions (2):

Ambry Genetics
Classification: Uncertain significance. Last evaluated: 2025-06-17. Review status: criteria provided, single submitter. Criteria: Ambry Variant Classification Scheme 2023. Collection method: clinical testing. Allele origin: germline.

Labcorp Genetics (formerly Invitae), Labcorp
Classification: Uncertain significance. Last evaluated: 2022-01-15. Review status: criteria provided, single submitter. Criteria: Invitae Variant Classification Sherloc (09022015). Collection method: clinical testing. Allele origin: germline.
Comment: This sequence change replaces aspartic acid, which is acidic and polar, with glycine, which is neutral and non-polar, at codon 466 of the IMPG1 protein (p.Asp466Gly). This variant is present in population databases (rs371846155, gnomAD 0.01%). In summary, the available evidence is currently insufficient to determine the role of this variant in disease. Therefore, it has been classified as a Variant of Uncertain Significance. Algorithms developed to predict the effect of sequence changes on RNA splicing suggest that this variant may create or strengthen a splice site. Algorithms developed to predict the effect of missense changes on protein structure and function output the following: SIFT: "Tolerated"; PolyPhen-2: "Possibly Damaging"; Align-GVGD: "Class C0". The glycine amino acid residue is found in multiple mammalian species, which suggests that this missense change does not adversely affect protein function. ClinVar contains an entry for this variant (Variation ID: 1000870). This variant has not been reported in the literature in individuals affected with IMPG1-related conditions.